The following is an entry in ClinVar:

NM_001042492.3(NF1):c.154dup (p.Ser52fs)

Gene: NF1 (neurofibromin 1; plus strand). Cytogenetic location: 17q11.2.
Variant type: Duplication.
Coding change: c.154dup on transcript NM_001042492.3 (MANE Select); coding-DNA position 154, one base duplicated (T; older notation c.154dupT).
Protein change: p.Ser52fs; shifts the reading frame from serine 52.
Molecular consequence: frameshift variant.
Genome position (GRCh38, 1-based): chr17:31,156,076, T duplicated; the last of 4 consecutive T bases (chr17:31,156,073-31,156,076); duplicating any one gives the same sequence. VCF-style (leftmost placement, unchanged base first): chr17-31156072-G-GT. GRCh37 (hg19) VCF-style: chr17-29483090-G-GT.
Other names: c.154dup, p.Ser52fs (NM_001128147.3); c.154dupT (NM_000267.3); c.154dup, p.Ser52Phefs (NM_000267.4); short protein forms S52fs.
Identifiers: ClinVar variation 2577254 (VCV002577254.1), dbSNP rs1131691109, ClinGen allele CA2580614041.

ClinVar aggregate classification (germline): Pathogenic (1 of 4 stars; one submission).

Conditions:
Neurofibromatosis, type 1 (NF1). Also called: Neurofibromatosis, type I; NEUROFIBROMATOSIS, TYPE I, SOMATIC; VON RECKLINGHAUSEN DISEASE; Peripheral type neurofibromatosis. Identifiers: Orphanet 636, MedGen C0027831, MONDO:0018975, OMIM 162200. Disease mechanism: loss of function.

Submission:

Women's Health and Genetics/Laboratory Corporation of America, LabCorp
Classification: Pathogenic for Neurofibromatosis, type 1. Last evaluated: 2023-07-13. Review status: criteria provided, single submitter. Criteria: LabCorp Variant Classification Summary - May 2015. Collection method: clinical testing. Allele origin: germline.
Comment: Variant summary: NF1 c.154dupT (p.Ser52PhefsX15) results in a premature termination codon, predicted to cause absence of the protein due to nonsense mediated decay, which is a commonly known mechanism for disease. Variants downstream of this position have been classified as pathogenic by our laboratory. The variant was absent in 251090 control chromosomes in gnomAD. To our knowledge, no occurrence of c.154dupT in individuals affected with Neurofibromatosis Type 1 and no experimental evidence demonstrating its impact on protein function have been reported. No submitters have cited clinical-significance assessments for this variant to ClinVar after 2014. Based on the evidence outlined above, the variant was classified as pathogenic.